The following is an entry in ClinVar:

ClinVar aggregate classification (germline): Uncertain significance (1 of 4 stars; one submission).

Conditions:
Charcot-Marie-Tooth disease recessive intermediate C. Also called: CHARCOT-MARIE-TOOTH NEUROPATHY, RECESSIVE INTERMEDIATE C. Identifiers: Orphanet 369867, MedGen C3809309, MONDO:0014154, OMIM 615376.
Neuronopathy, distal hereditary motor, autosomal recessive 4. Also called: Autosomal recessive lower motor neuron disease with childhood onset; NEUROPATHY, DISTAL HEREDITARY MOTOR, AUTOSOMAL RECESSIVE 4. Identifiers: Orphanet 206580, MedGen C1970211, MONDO:0012608, OMIM 611067.

Submission:

Labcorp Genetics (formerly Invitae), Labcorp
Classification: Uncertain significance for Neuronopathy, distal hereditary motor, autosomal recessive 4; Charcot-Marie-Tooth disease recessive intermediate C. Last evaluated: 2025-06-16. Review status: criteria provided, single submitter. Criteria: Invitae Variant Classification Sherloc (09022015). Collection method: clinical testing. Allele origin: germline.
Comment: This sequence change replaces serine, which is neutral and polar, with phenylalanine, which is neutral and non-polar, at codon 298 of the PLEKHG5 protein (p.Ser298Phe). This variant is present in population databases (no rsID available, gnomAD no frequency). This variant has not been reported in the literature in individuals affected with PLEKHG5-related conditions. ClinVar contains an entry for this variant (Variation ID: 1914214). An algorithm developed to predict the effect of missense changes on protein structure and function (PolyPhen-2) suggests that this variant is likely to be disruptive. In summary, the available evidence is currently insufficient to determine the role of this variant in disease. Therefore, it has been classified as a Variant of Uncertain Significance.

NM_020631.6(PLEKHG5):c.893C>T (p.Ser298Phe)

Gene: PLEKHG5 (pleckstrin homology and RhoGEF domain containing G5; minus strand). Cytogenetic location: 1p36.31.
Variant type: single nucleotide variant.
Coding change: c.893C>T on transcript NM_020631.6 (MANE Select); coding-DNA position 893, C replaced by T.
Protein change: p.Ser298Phe; replaces serine 298 with phenylalanine.
Molecular consequence: missense variant.
Genome position (GRCh38, 1-based): chr1:6,473,077, G>A on the plus strand (C>T on the coding strand, the complement: PLEKHG5 is on the minus strand). VCF-style: chr1-6473077-G-A. GRCh37 (hg19) VCF-style: chr1-6533137-G-A.
Other names: c.1004C>T, p.Ser335Phe (NM_001042663.3, NM_001265592.2); c.893C>T, p.Ser298Phe (NM_001042664.2, NM_001042665.2, NM_001265594.3 and 1 more transcripts); c.1100C>T, p.Ser367Phe (NM_001265593.2); short protein forms S298F, S367F, S335F.
Identifiers: ClinVar variation 1914214 (VCV001914214.3), dbSNP rs1181354692, ClinGen allele CA338134390.